The following is an entry in ClinVar:

NM_032578.4(MYPN):c.757G>C (p.Gly253Arg)

Gene: MYPN (myopalladin; plus strand). Cytogenetic location: 10q21.3.
Variant type: single nucleotide variant.
Coding change: c.757G>C on transcript NM_032578.4 (MANE Select); coding-DNA position 757, G replaced by C.
Protein change: p.Gly253Arg; replaces glycine 253 with arginine.
Molecular consequence: missense variant. On other transcripts: 5 prime UTR variant (1), non-coding transcript variant (1).
Genome position (GRCh38, 1-based): chr10:68,122,195, G>C. VCF-style: chr10-68122195-G-C. GRCh37 (hg19) VCF-style: chr10-69881952-G-C.
Other names: p.Gly253Arg; c.757G>C, p.Gly253Arg (NM_001256267.2); c.-366G>C (NM_001256268.2); short protein forms G253R.
Identifiers: ClinVar variation 222748 (VCV000222748.27), dbSNP rs201983087, ClinGen allele CA070868.
Genomic context (GRCh38, chr10:68,122,195, plus strand): 5'-GCCAAGAGGCGTGAAGCGGAGCAGGCTGCCAGTGAGGCGGCTGGTGGAGACACTACACCA[G>C]GGTCTTCCCCTTCATCTCTGTACTATGAAGAACCTCTGGGGCAACCTCCCCGGTTCACTC-3'
Protein context (NP_115967.2, residues 243-263): SEAAGGDTTP[Gly253Arg]SSPSSLYYEE

ClinVar aggregate classification (germline): Conflicting classifications of pathogenicity. Review status: criteria provided, conflicting classifications (1 of 4 stars). 10 submissions from 10 submitters: Uncertain significance (9); Likely benign (1). Last evaluated 2026-02-25.

Conditions:
MYPN-related myopathy (CMYO24). Also called: Nemaline myopathy 11, autosomal recessive. Identifiers: MedGen C4479186, MONDO:0015023, OMIM 617336.
Dilated cardiomyopathy 1KK (CMD1KK). Identifiers: Orphanet 154, Orphanet 75249, MedGen C3714995, MONDO:0014100, OMIM 615248.
MYPN-related disorder. Also called: MYPN-related condition.
Cardiovascular phenotype. Identifiers: MedGen CN230736.

Allele frequency attached by ClinVar (database versions not stated): gnomAD 0.00008; TOPMed 0.00008; 1000 Genomes Project 0.00020; 1000 Genomes Project 30x 0.00031; gnomAD exomes 0.00007; ExAC 0.00008; ESP Exome Variant Server 0.00008.
gnomAD v4.1: 177 of 1,609,532 alleles (0.011%); highest among the groups gnomAD compares: Non-Finnish European, 0.013%; no homozygotes.

Submissions (10):

PreventionGenetics, part of Exact Sciences
Classification: Uncertain significance for MYPN-related condition. Last evaluated: 2026-02-25. Review status: criteria provided, single submitter. Criteria: ACMG Guidelines, 2015. Collection method: clinical testing. Allele origin: germline.
Comment: The MYPN c.757G>C variant is predicted to result in the amino acid substitution p.Gly253Arg. To our knowledge, this variant has not been reported in the literature. This variant is reported in 0.020% of alleles in individuals of Ashkenazi Jewish descent in gnomAD. At this time, the clinical significance of this variant is uncertain due to the absence of conclusive functional and genetic evidence.

CeGaT Center for Human Genetics Tuebingen
Classification: Likely benign. Last evaluated: 2026-01-01. Review status: criteria provided, single submitter. Criteria: CeGaT Center For Human Genetics Tuebingen Variant Classification Criteria Version 2. Collection method: clinical testing. Allele origin: germline. Affected: yes. Observed: 1 variant allele.
Comment: MYPN: BP4

Mayo Clinic Laboratories, Mayo Clinic
Classification: Uncertain significance. Last evaluated: 2025-04-30. Review status: criteria provided, single submitter. Criteria: ACMG Guidelines, 2015. Collection method: clinical testing. Allele origin: germline. Observed: 1 variant allele.
Comment: BP4_moderate

Ambry Genetics
Classification: Uncertain significance for Cardiovascular phenotype. Last evaluated: 2024-12-14. Review status: criteria provided, single submitter. Criteria: Ambry Variant Classification Scheme 2023. Collection method: clinical testing. Allele origin: germline.
Comment: The p.G253R variant (also known as c.757G>C), located in coding exon 1 of the MYPN gene, results from a G to C substitution at nucleotide position 757. The glycine at codon 253 is replaced by arginine, an amino acid with dissimilar properties. This amino acid position is not well conserved in available vertebrate species. In addition, this alteration is predicted to be tolerated by in silico analysis. Since supporting evidence is limited at this time, the clinical significance of this alteration remains unclear.

Blueprint Genetics
Classification: Uncertain significance. Last evaluated: 2024-09-10. Review status: criteria provided, single submitter. Criteria: ACMG Guidelines, 2015. Collection method: clinical testing. Allele origin: germline.

Labcorp Genetics (formerly Invitae), Labcorp
Classification: Uncertain significance for Dilated cardiomyopathy 1KK. Last evaluated: 2024-01-02. Review status: criteria provided, single submitter. Criteria: Invitae Variant Classification Sherloc (09022015). Collection method: clinical testing. Allele origin: germline.
Comment: This sequence change replaces glycine, which is neutral and non-polar, with arginine, which is basic and polar, at codon 253 of the MYPN protein (p.Gly253Arg). This variant is present in population databases (rs201983087, gnomAD 0.02%). This variant has not been reported in the literature in individuals affected with MYPN-related conditions. ClinVar contains an entry for this variant (Variation ID: 222748). An algorithm developed to predict the effect of missense changes on protein structure and function (PolyPhen-2) suggests that this variant¬†is likely to be tolerated. In summary, the available evidence is currently insufficient to determine the role of this variant in disease. Therefore, it has been classified as a Variant of Uncertain Significance.

Clinical Genomics Laboratory, Stanford Medicine
Classification: Uncertain significance for Dilated cardiomyopathy 1KK; MYPN-related myopathy. Last evaluated: 2022-10-05. Review status: criteria provided, single submitter. Criteria: ACMG Guidelines, 2015. Collection method: clinical testing. Allele origin: germline. Observed: 1 variant allele, 1 heterozygote.
Comment: The p.Gly253Arg variant in the MYPN gene has not been previously reported in association with disease. This variant has been identified in 14/127482 European (non-Finnish) chromosomes (18/278450 chromosomes overall) by the Genome Aggregation Database Although this variant has been seen in the general population, its frequency is low enough to be consistent with the prevalence of cardiomyopathy. This variant is present in ClinVar (Variation ID: 222748). Computational tools predict that this variant does not impact protein function; however, the accuracy of in silico algorithms is limited. These data were assessed using the ACMG/AMP variant interpretation guidelines. In summary, the significance of the p.Gly253Arg variant is uncertain. Additional information is needed to resolve the significance of this variant. [ACMG evidence codes used: BP4]

ARUP Laboratories, Molecular Genetics and Genomics, ARUP Laboratories
Classification: Uncertain significance. Last evaluated: 2022-04-27. Review status: criteria provided, single submitter. Criteria: ARUP Molecular Germline Variant Investigation Process 2021. Collection method: clinical testing. Allele origin: germline.
Comment: The MYPN c.757G>C; p.Gly253Arg variant (rs201983087), to our knowledge, is not reported in the medical literature but is reported in ClinVar (Variation ID: 222748). This variant is found in the non-Finnish European population with an allele frequency of 0.011% (14/127,482 alleles) in the Genome Aggregation Database. The glycine at codon 253 is weakly conserved, and computational analyses predict that this variant is neutral (REVEL: 0.11). Due to limited information, the clinical significance of the p.Gly253Arg variant is uncertain at this time.

Fulgent Genetics
Classification: Uncertain significance for Dilated cardiomyopathy 1KK; MYPN-related myopathy. Last evaluated: 2021-08-03. Review status: criteria provided, single submitter. Criteria: ACMG Guidelines, 2015. Collection method: clinical testing. Allele origin: unknown.

GeneDx
Classification: Uncertain significance. Last evaluated: 2019-07-17. Review status: criteria provided, single submitter. Criteria: GeneDx Variant Classification Process June 2021. Collection method: clinical testing. Allele origin: germline. Affected: yes.
Comment: Has not been previously published as pathogenic or benign to our knowledge; In silico analysis, which includes protein predictors and evolutionary conservation, supports that this variant does not alter protein structure/function